The following is an entry in ClinVar:

NM_000057.4(BLM):c.3347A>T (p.Asp1116Val)

Gene: BLM (BLM RecQ like helicase; plus strand). Cytogenetic location: 15q26.1.
Variant type: single nucleotide variant.
Coding change: c.3347A>T on transcript NM_000057.4 (MANE Select); coding-DNA position 3347, A replaced by T.
Protein change: p.Asp1116Val; replaces aspartic acid 1116 with valine.
Molecular consequence: missense variant.
Genome position (GRCh38, 1-based): chr15:90,798,326, A>T. VCF-style: chr15-90798326-A-T. GRCh37 (hg19) VCF-style: chr15-91341556-A-T.
Other names: c.3347A>T, p.Asp1116Val (NM_001287246.2, NM_001287247.2); c.2222A>T, p.Asp741Val (NM_001287248.2); short protein forms D1116V, D741V.
Identifiers: ClinVar variation 1975253 (VCV001975253.5), dbSNP rs2505535057, ClinGen allele CA393847388.

ClinVar aggregate classification (germline): Uncertain significance (1 of 4 stars; one submission).

Conditions:
Bloom syndrome (BLM). Also called: Bloom-Torre-Machacek syndrome. Identifiers: Orphanet 125, MedGen C0005859, MONDO:0008876, OMIM 210900.

Submission:

Labcorp Genetics (formerly Invitae), Labcorp
Classification: Uncertain significance for Bloom syndrome. Last evaluated: 2021-12-24. Review status: criteria provided, single submitter. Criteria: Invitae Variant Classification Sherloc (09022015). Collection method: clinical testing. Allele origin: germline.
Comment: This sequence change replaces aspartic acid, which is acidic and polar, with valine, which is neutral and non-polar, at codon 1116 of the BLM protein (p.Asp1116Val). This variant is not present in population databases (gnomAD no frequency). This variant has not been reported in the literature in individuals affected with BLM-related conditions. Algorithms developed to predict the effect of missense changes on protein structure and function are either unavailable or do not agree on the potential impact of this missense change (SIFT: "Deleterious"; PolyPhen-2: "Probably Damaging"; Align-GVGD: "Class C0"). In summary, the available evidence is currently insufficient to determine the role of this variant in disease. Therefore, it has been classified as a Variant of Uncertain Significance.